The following is an entry in ClinVar:

ClinVar aggregate classification (germline): Benign (1 of 4 stars; one submission).

Conditions:
Retinitis pigmentosa (RP). Identifiers: Orphanet 791, MedGen C0035334, MeSH D012174, MONDO:0019200, OMIM 268000. Inheritance: Autosomal dominant, autosomal recessive and X linked inheritance.

Allele frequency attached by ClinVar (database versions not stated): 1000 Genomes Project 0.01518; TOPMed 0.01610; 1000 Genomes Project 30x 0.01686.

Submission:

Illumina Laboratory Services, Illumina
Classification: Benign for Retinitis pigmentosa. Last evaluated: 2017-10-12. Review status: criteria provided, single submitter. Criteria: ICSL Variant Classification Criteria 13 December 2019. Collection method: clinical testing. Allele origin: germline.
Comment: This variant was observed as part of a predisposition screen in an ostensibly healthy population. A literature search was performed for the gene, cDNA change, and amino acid change (where applicable). No publications were found based on this search. Allele frequency data from public databases was too high to be consistent with this variant causing disease. Therefore, this variant is classified as benign.

NM_001029883.3(PCARE):c.*2629G>A

Gene: PCARE (photoreceptor cilium actin regulator; minus strand). Cytogenetic location: 2p23.2.
Variant type: single nucleotide variant.
Coding change: c.*2629G>A on transcript NM_001029883.3 (MANE Select); 2629 bases downstream of the stop codon, G replaced by A.
Molecular consequence: 3 prime UTR variant.
Genome position (GRCh38, 1-based): chr2:29,062,240, C>T on the plus strand (G>A on the coding strand, the complement: PCARE is on the minus strand). VCF-style: chr2-29062240-C-T. GRCh37 (hg19) VCF-style: chr2-29285106-C-T.
Identifiers: ClinVar variation 897595 (VCV000897595.4), dbSNP rs116529628, ClinGen allele CA44631489.